The following is an entry in ClinVar:

NM_003482.4(KMT2D):c.15476G>A (p.Arg5159Gln)

Gene: KMT2D (lysine methyltransferase 2D; minus strand). Cytogenetic location: 12q13.12.
Variant type: single nucleotide variant.
Coding change: c.15476G>A on transcript NM_003482.4 (MANE Select); coding-DNA position 15476, G replaced by A.
Protein change: p.Arg5159Gln; replaces arginine 5159 with glutamine.
Molecular consequence: missense variant.
Genome position (GRCh38, 1-based): chr12:49,026,490, C>T on the plus strand (G>A on the coding strand, the complement: KMT2D is on the minus strand). VCF-style: chr12-49026490-C-T. GRCh37 (hg19) VCF-style: chr12-49420273-C-T.
Other names: short protein forms R5159Q.
Identifiers: ClinVar variation 2184463 (VCV002184463.4), dbSNP rs1205083140, ClinGen allele CA384687656.
Genomic context (GRCh38, chr12:49,026,490, plus strand): 5'-CGGAACATGTGCAGCCGTTCTCCCCGCTGAATGATGCTAGCGATTTGCTTCACCTCGTCC[C>T]GCTCAATGTAGACCCGCCGGAAGACAGCAAAAGAGCTCAGCTCTTGCTCACAGGGCCCCT-3'
Protein context (NP_003473.3, residues 5149-5169): FAVFRRVYIE[Arg5159Gln]DEVKQIASII

ClinVar aggregate classification (germline): Uncertain significance (1 of 4 stars; one submission).

Conditions:
Kabuki syndrome. Also called: NIIKAWA-KUROKI SYNDROME; Kabuki make-up syndrome. Identifiers: Orphanet 2322, MedGen C0796004, MONDO:0016512.

Allele frequency attached by ClinVar (database versions not stated): gnomAD 0.00001.
gnomAD v4.1: 9 of 1,613,762 alleles (0.00056%); highest among the groups gnomAD compares: Admixed American, 0.0017%; no homozygotes.

Submission:

Labcorp Genetics (formerly Invitae), Labcorp
Classification: Uncertain significance for Kabuki syndrome. Last evaluated: 2022-11-08. Review status: criteria provided, single submitter. Criteria: Invitae Variant Classification Sherloc (09022015). Collection method: clinical testing. Allele origin: germline.
Comment: This variant has not been reported in the literature in individuals affected with KMT2D-related conditions. This variant is present in population databases (no rsID available, gnomAD 0.0009%). This sequence change replaces arginine, which is basic and polar, with glutamine, which is neutral and polar, at codon 5159 of the KMT2D protein (p.Arg5159Gln). Advanced modeling of protein sequence and biophysical properties (such as structural, functional, and spatial information, amino acid conservation, physicochemical variation, residue mobility, and thermodynamic stability) has been performed at Invitae for this missense variant, however the output from this modeling did not meet the statistical confidence thresholds required to predict the impact of this variant on KMT2D protein function. In summary, the available evidence is currently insufficient to determine the role of this variant in disease. Therefore, it has been classified as a Variant of Uncertain Significance.